The following is an entry in ClinVar:

ClinVar aggregate classification (germline): Benign/Likely benign. Review status: criteria provided, multiple submitters, no conflicts (2 of 4 stars). 5 submissions from 5 submitters: Benign (3); Likely benign (1). 1 of the submissions does not count toward it. Last evaluated 2026-02-02.

Conditions:
RERE-related disorder. Also called: RERE-Related Disorders; RERE-related condition. Identifiers: MedGen CN381537.

Allele frequency attached by ClinVar (database versions not stated): gnomAD exomes 0.18550 and 0.19591; ExAC 0.20174; gnomAD 0.23270 and 0.23393; TOPMed 0.23590; 1000 Genomes Project 0.24820; ESP Exome Variant Server 0.24950; 1000 Genomes Project 30x 0.25531.
gnomAD v4.1: 307,617 of 1,613,740 alleles (19%); highest among the groups gnomAD compares: African/African-American, 37%; 32,394 homozygotes.

Submissions (5):

Labcorp Genetics (formerly Invitae), Labcorp
Classification: Benign. Last evaluated: 2026-02-02. Review status: criteria provided, single submitter. Criteria: Invitae Variant Classification Sherloc (09022015). Collection method: clinical testing. Allele origin: germline.

Blueprint Genetics
Classification: Likely benign. Last evaluated: 2024-11-26. Review status: criteria provided, single submitter. Criteria: ACMG Guidelines, 2015. Collection method: clinical testing. Allele origin: germline.

GeneDx
Classification: Benign. Last evaluated: 2020-12-17. Review status: criteria provided, single submitter. Criteria: GeneDx Variant Classification Process June 2021. Collection method: clinical testing. Allele origin: germline. Affected: yes.

Breakthrough Genomics
Classification: Benign. Review status: criteria provided, single submitter. Criteria: ACMG Guidelines, 2015. Collection method: not provided. Allele origin: germline. Inheritance: Autosomal dominant inheritance. Affected: yes.

PreventionGenetics, part of Exact Sciences
Classification: Benign for RERE-related condition. Last evaluated: 2019-10-17. Review status: no assertion criteria provided. Collection method: clinical testing. Allele origin: germline. Not counted in ClinVar's aggregate classification.
Comment: This variant is classified as benign based on ACMG/AMP sequence variant interpretation guidelines (Richards et al. 2015 PMID: 25741868, with internal and published modifications).

NM_001042681.2(RERE):c.1419A>G (p.Thr473=)

Gene: RERE (arginine-glutamic acid dipeptide repeats; minus strand). Cytogenetic location: 1p36.23.
Variant type: single nucleotide variant.
Coding change: c.1419A>G on transcript NM_001042681.2 (MANE Select); coding-DNA position 1419, A replaced by G.
Protein change: p.Thr473=; no amino-acid change (threonine 473 retained).
Molecular consequence: synonymous variant. On other transcripts: 5 prime UTR variant (1).
Genome position (GRCh38, 1-based): chr1:8,365,840, T>C on the plus strand (A>G on the coding strand, the complement: RERE is on the minus strand). VCF-style: chr1-8365840-T-C. GRCh37 (hg19) VCF-style: chr1-8425900-T-C.
Other names: c.-244A>G (NM_001042682.2); c.1419A>G, p.Thr473= (NM_012102.4).
Identifiers: ClinVar variation 1222151 (VCV001222151.15), dbSNP rs3753275, ClinGen allele CA571726.